The following is an entry in ClinVar:

ClinVar aggregate classification (germline): Pathogenic. Review status: criteria provided, multiple submitters, no conflicts (2 of 4 stars). 2 submissions from 2 submitters: Pathogenic (2). Last evaluated 2026-04-08.

Conditions:
Pulmonary fibrosis and/or bone marrow failure, Telomere-related, 3. Also called: PULMONARY FIBROSIS AND/OR BONE MARROW FAILURE SYNDROME, TELOMERE-RELATED, 3. Identifiers: Orphanet 2032, MedGen C4225346, MONDO:0014613, OMIM 616373.
Dyskeratosis congenita, autosomal recessive 5 (DKCB5). Identifiers: MedGen C3554656, MONDO:0014076, OMIM 615190.

gnomAD v4.1: 2 of 1,612,654 alleles (0.00012%); highest among the groups gnomAD compares: Non-Finnish European, 0.00017%; no homozygotes.

Submissions (2):

Myriad Genetics, Inc.
Classification: Pathogenic for Dyskeratosis congenita, autosomal recessive 5. Last evaluated: 2026-04-08. Review status: criteria provided, single submitter. Criteria: Myriad Autosomal Dominant, Autosomal Recessive and X-Linked Classification Criteria (2023). Collection method: clinical testing. Allele origin: unknown.
Comment: NM_001283009.1(RTEL1):c.3232C>T(Q1078*) is a nonsense variant classified as pathogenic in the context of RTEL1-related disorders. Q1078* has not been observed in cases with relevant disease. Relevant functional assessments of this variant are not available in the literature. Q1078* has not been observed in referenced population frequency databases. In summary, NM_001283009.1(RTEL1):c.3232C>T(Q1078*) is a nonsense variant in a gene where loss of function is a known mechanism of disease and is predicted to disrupt protein function. Please note: this variant was assessed in the context of healthy population screening.

Labcorp Genetics (formerly Invitae), Labcorp
Classification: Pathogenic for Dyskeratosis congenita, autosomal recessive 5; Pulmonary fibrosis and/or bone marrow failure, Telomere-related, 3. Last evaluated: 2024-10-12. Review status: criteria provided, single submitter. Criteria: Invitae Variant Classification Sherloc (09022015). Collection method: clinical testing. Allele origin: germline.
Comment: This sequence change creates a premature translational stop signal (p.Gln1078*) in the RTEL1 gene. It is expected to result in an absent or disrupted protein product. Loss-of-function variants in RTEL1 are known to be pathogenic (PMID: 23453664, 23959892, 25607374). This variant is not present in population databases (gnomAD no frequency). This variant has not been reported in the literature in individuals affected with RTEL1-related conditions. For these reasons, this variant has been classified as Pathogenic.

Literature cited by the submitters: PubMed 23453664 (cited by Labcorp Genetics (formerly Invitae), Labcorp); PubMed 23959892 (cited by Labcorp Genetics (formerly Invitae), Labcorp); PubMed 25607374 (cited by Labcorp Genetics (formerly Invitae), Labcorp).

NM_001283009.2(RTEL1):c.3232C>T (p.Gln1078Ter)

Genes: RTEL1 (regulator of telomere elongation helicase 1; plus strand), RTEL1-TNFRSF6B (RTEL1-TNFRSF6B readthrough (NMD candidate); plus strand). Cytogenetic location: 20q13.33.
Variant type: single nucleotide variant.
Coding change: c.3232C>T on transcript NM_001283009.2 (MANE Select); coding-DNA position 3232, C replaced by T.
Protein change: p.Gln1078Ter; replaces glutamine 1078 with a stop codon.
Molecular consequence: nonsense. On other transcripts: non-coding transcript variant (1).
Genome position (GRCh38, 1-based): chr20:63,694,863, C>T. VCF-style: chr20-63694863-C-T. GRCh37 (hg19) VCF-style: chr20-62326216-C-T.
Other names: c.2563C>T, p.Gln855Ter (NM_001283010.1); c.3232C>T, p.Gln1078Ter (NM_016434.4); c.3304C>T, p.Gln1102Ter (NM_032957.5); short protein forms Q1078*, Q1102*, Q855*.
Identifiers: ClinVar variation 3763651 (VCV003763651.3).